The following is an entry in ClinVar:

NM_000052.7(ATP7A):c.1522C>T (p.Arg508Trp)

Gene: ATP7A (ATPase copper transporting alpha; plus strand). Cytogenetic location: Xq21.1.
Variant type: single nucleotide variant.
Coding change: c.1522C>T on transcript NM_000052.7 (MANE Select); coding-DNA position 1522, C replaced by T.
Protein change: p.Arg508Trp; replaces arginine 508 with tryptophan.
Molecular consequence: missense variant.
Genome position (GRCh38, 1-based): chrX:77,998,663, C>T. VCF-style: chrX-77998663-C-T. GRCh37 (hg19) VCF-style: chrX-77254160-C-T.
Other names: c.1522C>T, p.Arg508Trp (NM_001282224.2); c.1522C>T (NM_000052.4); short protein forms R508W.
Identifiers: ClinVar variation 1047692 (VCV001047692.6), dbSNP rs782603364, ClinGen allele CA10459057.

ClinVar aggregate classification (germline): Conflicting classifications of pathogenicity. Review status: criteria provided, conflicting classifications (1 of 4 stars). 2 submissions from 2 submitters: Uncertain significance (1); Benign (1). Last evaluated 2025-06-12.

Conditions:
Menkes kinky-hair syndrome (MNK). Also called: Copper transport disease; Classic Menkes Disease; Menkes Disease. Identifiers: Orphanet 565, MedGen C0022716, MONDO:0010651, OMIM 309400.
Cutis laxa, X-linked (OHS). Also called: EDS IX; Occipital horn syndrome. Identifiers: Orphanet 198, MedGen C0268353, MONDO:0010572, OMIM 304150.
X-linked distal spinal muscular atrophy type 3. Also called: SPINAL MUSCULAR ATROPHY, DISTAL, X-LINKED RECESSIVE; ATP7A-Related Distal Motor Neuropathy; NEURONOPATHY, DISTAL HEREDITARY MOTOR, X-LINKED; NEUROPATHY, DISTAL HEREDITARY MOTOR, X-LINKED. Identifiers: Orphanet 139557, MedGen C1845359, MONDO:0010338, OMIM 300489.

Allele frequency attached by ClinVar (database versions not stated): TOPMed 0.00003; gnomAD 0.00002 and 0.00003; gnomAD exomes 0.00001; ExAC 0.00002.
gnomAD v4.1: 9 of 1,209,780 alleles (0.00074%); highest among the groups gnomAD compares: African/African-American, 0.01%; no homozygotes.

Submissions (2):

Labcorp Genetics (formerly Invitae), Labcorp
Classification: Benign for X-linked distal spinal muscular atrophy type 3; Cutis laxa, X-linked; Menkes kinky-hair syndrome. Last evaluated: 2025-06-12. Review status: criteria provided, single submitter. Criteria: Invitae Variant Classification Sherloc (09022015). Collection method: clinical testing. Allele origin: germline.

GeneDx
Classification: Uncertain significance. Last evaluated: 2024-05-17. Review status: criteria provided, single submitter. Criteria: GeneDx Variant Classification Process June 2021. Collection method: clinical testing. Allele origin: germline. Affected: yes.
Comment: In silico analysis supports that this missense variant has a deleterious effect on protein structure/function; Has not been previously published as pathogenic or benign to our knowledge